The following is an entry in ClinVar:

NM_001350451.2(RBFOX3):c.980C>T (p.Ala327Val)

Gene: RBFOX3 (RNA binding fox-1 homolog 3; minus strand). Cytogenetic location: 17q25.3.
Variant type: single nucleotide variant.
Coding change: c.980C>T on transcript NM_001350451.2 (MANE Select); coding-DNA position 980, C replaced by T.
Protein change: p.Ala327Val; replaces alanine 327 with valine.
Molecular consequence: missense variant.
Genome position (GRCh38, 1-based): chr17:79,095,531, G>A on the plus strand (C>T on the coding strand, the complement: RBFOX3 is on the minus strand). VCF-style: chr17-79095531-G-A. GRCh37 (hg19) VCF-style: chr17-77091613-G-A.
Other names: c.839C>T, p.Ala280Val (NM_001082575.3, NM_001350453.2, NM_001385825.1 and 16 more transcripts); c.980C>T, p.Ala327Val (NM_001385804.1, NM_001385805.1, NM_001385816.1 and 14 more transcripts); c.977C>T, p.Ala326Val (NM_001385806.1, NM_001385822.1, NM_001385823.1); c.887C>T, p.Ala296Val (NM_001385824.1); c.836C>T, p.Ala279Val (NM_001385843.1, NM_001385844.1, NM_001385845.1 and 1 more transcripts); c.860C>T, p.Ala287Val (NM_001385827.1); c.692C>T, p.Ala231Val (NM_001385847.1); short protein forms A280V, A326V, A279V, A296V, A287V, A231V, A327V.
Identifiers: ClinVar variation 2901419 (VCV002901419.3), dbSNP rs1157854732, ClinGen allele CA401315837.
Genomic context (GRCh38, chr17:79,095,531, plus strand): 5'-CTCCCCACCCTGCTCCAGAACAGTGCTGGCCCCCGGCCTCACCTGTCGCTGTAGGCTGCC[G>A]CCGCTGCAGCGGGCTGAGCGTATCTGTAGGCTGCGTAGCCTCCCTGCAGGGTAAGTGGGA-3'
Protein context (NP_001337380.1, residues 317-337): AYRYAQPAAA[Ala327Val]AAYSDSYGRV

ClinVar aggregate classification (germline): Uncertain significance (1 of 4 stars; one submission).

Conditions:
Idiopathic generalized epilepsy. Also called: Generalised epilepsy; EIG. Identifiers: MedGen C0270850, MONDO:0005579, OMIM 600669.

Allele frequency attached by ClinVar (database versions not stated): gnomAD 0.00001; gnomAD exomes 0.00002.
gnomAD v4.1: 23 of 1,551,140 alleles (0.0015%); highest among the groups gnomAD compares: South Asian, 0.0048%; no homozygotes.

Submission:

Labcorp Genetics (formerly Invitae), Labcorp
Classification: Uncertain significance for Idiopathic generalized epilepsy. Last evaluated: 2023-06-10. Review status: criteria provided, single submitter. Criteria: Invitae Variant Classification Sherloc (09022015). Collection method: clinical testing. Allele origin: germline.
Comment: In summary, the available evidence is currently insufficient to determine the role of this variant in disease. Therefore, it has been classified as a Variant of Uncertain Significance. Advanced modeling of protein sequence and biophysical properties (such as structural, functional, and spatial information, amino acid conservation, physicochemical variation, residue mobility, and thermodynamic stability) performed at Invitae indicates that this missense variant is not expected to disrupt RBFOX3 protein function. This variant has not been reported in the literature in individuals affected with RBFOX3-related conditions. This variant is present in population databases (no rsID available, gnomAD 0.004%). This sequence change replaces alanine, which is neutral and non-polar, with valine, which is neutral and non-polar, at codon 280 of the RBFOX3 protein (p.Ala280Val).